The following is an entry in ClinVar:

ClinVar aggregate classification (germline): Uncertain significance (1 of 4 stars; one submission).

Conditions:
Hereditary cancer-predisposing syndrome. Also called: Hereditary Cancer Syndrome; Neoplastic Syndromes, Hereditary; Tumor predisposition; Hereditary neoplastic syndrome. Identifiers: Orphanet 140162, MedGen C0027672, MeSH D009386, MONDO:0015356.

Allele frequency attached by ClinVar (database versions not stated): TOPMed below 0.00001; gnomAD 0.00001.
gnomAD v4.1: 2 of 1,511,786 alleles (0.00013%); highest among the groups gnomAD compares: Non-Finnish European, 0.00018%; no homozygotes.

Submission:

Ambry Genetics
Classification: Uncertain significance for Hereditary cancer-predisposing syndrome. Last evaluated: 2025-08-13. Review status: criteria provided, single submitter. Criteria: Ambry Variant Classification Scheme 2023. Collection method: clinical testing. Allele origin: germline.
Comment: The p.L17M variant (also known as c.49C>A), located in coding exon 1 of the RET gene, results from a C to A substitution at nucleotide position 49. The leucine at codon 17 is replaced by methionine, an amino acid with highly similar properties. This amino acid position is conserved. In addition, the in silico prediction for this alteration is inconclusive. Based on the available evidence, the clinical significance of this variant remains unclear.

NM_020975.6(RET):c.49C>A (p.Leu17Met)

Gene: RET (ret proto-oncogene; plus strand). Cytogenetic location: 10q11.21.
Variant type: single nucleotide variant.
Coding change: c.49C>A on transcript NM_020975.6 (MANE Select); coding-DNA position 49, C replaced by A.
Protein change: p.Leu17Met; replaces leucine 17 with methionine.
Molecular consequence: missense variant.
Genome position (GRCh38, 1-based): chr10:43,077,307, C>A. VCF-style: chr10-43077307-C-A. GRCh37 (hg19) VCF-style: chr10-43572755-C-A.
Other names: c.49C>A, p.Leu17Met (NM_000323.2, NM_001406743.1, NM_001406744.1 and 38 more transcripts); short protein forms L17M.
Identifiers: ClinVar variation 1744661 (VCV001744661.3), dbSNP rs1328756940, ClinGen allele CA376768085.
Genomic context (GRCh38, chr10:43,077,307, plus strand): 5'-CGCGCACGGGCGATGGCGAAGGCGACGTCCGGTGCCGCGGGGCTGCGTCTGCTGTTGCTG[C>A]TGCTGCTGCCGCTGCTAGGCAAAGGTGAGTTCTGCCGGCCGCCGGCTCCCGCAGGGGCCA-3'
Protein context (NP_066124.1, residues 7-27): GAAGLRLLLL[Leu17Met]LLPLLGKVAL